The following is an entry in ClinVar:

ClinVar aggregate classification (germline): Pathogenic (1 of 4 stars; one submission).

Submission:

Labcorp Genetics (formerly Invitae), Labcorp
Classification: Pathogenic. Last evaluated: 2022-02-24. Review status: criteria provided, single submitter. Criteria: Invitae Variant Classification Sherloc (09022015). Collection method: clinical testing. Allele origin: germline.
Comment: This variant is a gross deletion of the genomic region encompassing exon(s) 2-3 of the RS1 gene. This variant would be expected to be in-frame, preserving the integrity of the reading frame. A similar copy number variant has been observed in individuals with retinoschisis (PMID: 29739629, 30652005). This variant disrupts the p.Cys59 amino acid residue in RS1. Other variant(s) that disrupt this residue have been determined to be pathogenic (PMID: 9618178, 19849666, 23288992, 27995734). This suggests that this residue is clinically significant, and that variants that disrupt this residue are likely to be disease-causing. For these reasons, this variant has been classified as Pathogenic.

Literature cited by the submitters: PubMed 29739629; PubMed 30652005; PubMed 9618178; PubMed 19849666; PubMed 23288992; PubMed 27995734.

NC_000023.10:g.(?_18674753)_(18675805_?)del

Gene: RS1 (retinoschisin 1; minus strand). Cytogenetic location: Xp22.13.
Variant type: Deletion.
Identifiers: ClinVar variation 2422905 (VCV002422905.3).